The following is an entry in ClinVar:

ClinVar aggregate classification (germline): Likely pathogenic (1 of 4 stars; one submission).

Conditions:
Citrullinemia type I (CTNL1). Also called: ASS DEFICIENCY; argininosuccinate synthetase deficiency. Identifiers: Orphanet 247525, MedGen C4721769, MONDO:0008988, OMIM 215700.

gnomAD v4.1: 1 of 1,614,110 alleles (0.000062%); highest among the groups gnomAD compares: Non-Finnish European, 0.000085%; no homozygotes.

Submission:

Natera, Inc.
Classification: Likely pathogenic for Citrullinemia type I. Last evaluated: 2024-10-14. Review status: criteria provided, single submitter. Criteria: Natera Variant Classification Schema (03/2026). Collection method: clinical testing. Allele origin: germline.
Comment: The c.484G>T variant in ASS1 is a nonsense variant predicted to introduce a stop codon at amino acid 162. This variant is expected to result in nonsense mediated decay, truncation, or a dysfunctional protein product. This variant is rare in the general population with a frequency below the threshold expected for the associated phenotype(s). Given the available evidence, this variant is classified as Likely Pathogenic.

NM_054012.4(ASS1):c.484G>T (p.Glu162Ter)

Gene: ASS1 (argininosuccinate synthase 1; plus strand). Cytogenetic location: 9q34.11.
Variant type: single nucleotide variant.
Coding change: c.484G>T on transcript NM_054012.4 (MANE Select); coding-DNA position 484, G replaced by T.
Protein change: p.Glu162Ter; replaces glutamic acid 162 with a stop codon.
Molecular consequence: nonsense.
Genome position (GRCh38, 1-based): chr9:130,466,788, G>T. VCF-style: chr9-130466788-G-T. GRCh37 (hg19) VCF-style: chr9-133342175-G-T.
Other names: c.484G>T, p.Glu162Ter (NM_000050.4); short protein forms E162*.
Identifiers: ClinVar variation 4818636 (VCV004818636.1).